The following is an entry in ClinVar:

ClinVar aggregate classification (germline): Uncertain significance (1 of 4 stars; one submission).

Conditions:
Hereditary cancer-predisposing syndrome. Also called: Hereditary Cancer Syndrome; Hereditary neoplastic syndrome; Neoplastic Syndromes, Hereditary; Tumor predisposition. Identifiers: Orphanet 140162, MedGen C0027672, MeSH D009386, MONDO:0015356.

Submission:

Sema4
Classification: Uncertain significance for Hereditary cancer-predisposing syndrome. Last evaluated: 2021-05-20. Review status: criteria provided, single submitter. Criteria: Sema4 Curation Guidelines. Collection method: curation. Allele origin: germline.
Comment: The PALB2 c.1685-9C>G variant has not been reported in the literature to our knowledge. It was not observed in the large and broad cohorts of the Genome Aggregation Database (PMID: 32461654). The variant has not been reported in ClinVar. In silico tools suggest the impact of the variant on splicing is benign, though these predictions have not been confirmed by functional studies. The evidence is insufficient to meet ACMG/AMP criteria for classifying the variant as benign or pathogenic. Thus, the clinical significance of this variant is currently uncertain

NM_024675.4(PALB2):c.1685-9C>G

Gene: PALB2 (partner and localizer of BRCA2; minus strand). Cytogenetic location: 16p12.2.
Variant type: single nucleotide variant.
Coding change: c.1685-9C>G on transcript NM_024675.4 (MANE Select); 9 bases into the intron before coding-DNA position 1685, C replaced by G.
Molecular consequence: intron variant.
Genome position (GRCh38, 1-based): chr16:23,630,478, G>C on the plus strand (C>G on the coding strand, the complement: PALB2 is on the minus strand). VCF-style: chr16-23630478-G-C. GRCh37 (hg19) VCF-style: chr16-23641799-G-C.
Identifiers: ClinVar variation 1691942 (VCV001691942.1), dbSNP rs2142391529, ClinGen allele CA2573152160.